The following is an entry in ClinVar:

ClinVar aggregate classification (germline): Benign/Likely benign. Review status: criteria provided, multiple submitters, no conflicts (2 of 4 stars). 14 submissions from 13 submitters: Benign (12); Likely benign (1). 1 of the submissions does not count toward it. Last evaluated 2026-02-02.

Conditions:
Adams-Oliver syndrome 5 (AOS5). Identifiers: Orphanet 974, MedGen C4014970, MONDO:0014459, OMIM 616028.
Familial thoracic aortic aneurysm and aortic dissection (TAAD). Also called: Thoracic aortic aneurysms and dissections. Identifiers: Orphanet 91387, MedGen C4707243, MONDO:0019625.
Aortic valve disease 1 (AOVD1). Identifiers: MedGen C3887892, MONDO:0024523, OMIM 109730.

Allele frequency attached by ClinVar (database versions not stated): gnomAD 0.00421 and 0.00404; TOPMed 0.00667; 1000 Genomes Project 0.00699; ESP Exome Variant Server 0.00070; 1000 Genomes Project 30x 0.00843; gnomAD exomes 0.01053; ExAC 0.01301.
gnomAD v4.1: 3,639 of 1,583,276 alleles (0.23%); highest among the groups gnomAD compares: Admixed American, 5.5%; 130 homozygotes.

Submissions (14):

Labcorp Genetics (formerly Invitae), Labcorp
Classification: Benign for Adams-Oliver syndrome 5. Last evaluated: 2026-02-02. Review status: criteria provided, single submitter. Criteria: Invitae Variant Classification Sherloc (09022015). Collection method: clinical testing. Allele origin: germline.

ARUP Laboratories, Molecular Genetics and Genomics, ARUP Laboratories
Classification: Benign. Last evaluated: 2025-05-26. Review status: criteria provided, single submitter. Criteria: ARUP Molecular Germline Variant Investigation Process 2024. Collection method: clinical testing. Allele origin: germline.

Women's Health and Genetics/Laboratory Corporation of America, LabCorp
Classification: Likely benign. Last evaluated: 2023-07-21. Review status: criteria provided, single submitter. Criteria: LabCorp Variant Classification Summary - May 2015. Collection method: clinical testing. Allele origin: germline.

Genome-Nilou Lab
Classification: Benign for Adams-Oliver syndrome 5. Last evaluated: 2022-03-15. Review status: criteria provided, single submitter. Criteria: ACMG Guidelines, 2015. Collection method: clinical testing. Allele origin: germline. Affected: no.

Genome-Nilou Lab
Classification: Benign for Aortic valve disease 1. Last evaluated: 2022-03-15. Review status: criteria provided, single submitter. Criteria: ACMG Guidelines, 2015. Collection method: clinical testing. Allele origin: germline. Affected: no.

Mendelics
Classification: Benign for Adams-Oliver syndrome 5. Last evaluated: 2019-05-28. Review status: criteria provided, single submitter. Criteria: Mendelics Assertion Criteria 2017. Collection method: clinical testing. Allele origin: unknown.

Mayo Clinic Laboratories, Mayo Clinic
Classification: Benign. Last evaluated: 2018-07-05. Review status: criteria provided, single submitter. Criteria: ACMG Guidelines, 2015. Collection method: clinical testing. Allele origin: germline. Observed: 5 variant alleles.

CHEO Genetics Diagnostic Laboratory, Children's Hospital of Eastern Ontario
Classification: Benign for Familial thoracic aortic aneurysm and aortic dissection. Last evaluated: 2017-09-12. Review status: criteria provided, single submitter. Criteria: ACMG Guidelines, 2015. Collection method: clinical testing. Allele origin: germline. Study: Canadian Open Genetics Repository.

GeneDx
Classification: Benign. Last evaluated: 2017-01-18. Review status: criteria provided, single submitter. Criteria: GeneDx Variant Classification (06012015). Collection method: clinical testing. Allele origin: germline. Affected: yes.
Comment: This variant is considered likely benign or benign based on one or more of the following criteria: it is a conservative change, it occurs at a poorly conserved position in the protein, it is predicted to be benign by multiple in silico algorithms, and/or has population frequency not consistent with disease.

Center for Pediatric Genomic Medicine, Children's Mercy Hospital and Clinics
Classification: Benign. Last evaluated: 2016-10-13. Review status: criteria provided, single submitter. Criteria: ACMG Guidelines, 2015. Collection method: clinical testing. Allele origin: germline.

Laboratory for Molecular Medicine, Mass General Brigham Personalized Medicine
Classification: Benign. Last evaluated: 2016-04-25. Review status: criteria provided, single submitter. Criteria: LMM Criteria. Collection method: clinical testing. Allele origin: germline.
Comment: Variant identified in a genome or exome case(s) and assessed due to predicted null impact of the variant or pathogenic assertions in the literature or databases. Disclaimer: This variant has not undergone full assessment. The following are preliminary notes: Frequency

Ambry Genetics
Classification: Benign for Familial thoracic aortic aneurysm and aortic dissection. Last evaluated: 2015-05-21. Review status: criteria provided, single submitter. Criteria: Ambry Variant Classification Scheme 2023. Collection method: clinical testing. Allele origin: germline.

Breakthrough Genomics
Classification: Benign. Review status: criteria provided, single submitter. Criteria: ACMG Guidelines, 2015. Collection method: not provided. Allele origin: germline. Inheritance: Autosomal dominant inheritance. Affected: yes.

ITMI
No classification provided. Condition: AllHighlyPenetrant. Last evaluated: 2013-09-19. Review status: no classification provided. Collection method: reference population. Allele origin: germline. Not counted in ClinVar's aggregate classification.
Comment: Please see associated publication for description of ethnicities

Literature cited by the submitters: PubMed 24943832 (cited by Women's Health and Genetics/Laboratory Corporation of America, LabCorp); PubMed 16614245 (cited by Women's Health and Genetics/Laboratory Corporation of America, LabCorp); PubMed 21670202 (cited by Women's Health and Genetics/Laboratory Corporation of America, LabCorp); PubMed 22210878 (cited by Women's Health and Genetics/Laboratory Corporation of America, LabCorp); PubMed 19635999 (cited by Women's Health and Genetics/Laboratory Corporation of America, LabCorp); PubMed 26837699 (cited by Women's Health and Genetics/Laboratory Corporation of America, LabCorp); PubMed 23086750 (cited by Women's Health and Genetics/Laboratory Corporation of America, LabCorp); PubMed 19245433 (cited by Women's Health and Genetics/Laboratory Corporation of America, LabCorp); PubMed 22077063 (cited by Women's Health and Genetics/Laboratory Corporation of America, LabCorp); PubMed 15472075 (cited by Women's Health and Genetics/Laboratory Corporation of America, LabCorp); PubMed 23734977 (cited by Women's Health and Genetics/Laboratory Corporation of America, LabCorp); PubMed 22858860 (cited by Women's Health and Genetics/Laboratory Corporation of America, LabCorp); PubMed 18593716 (cited by Ambry Genetics); PubMed 24728327 (cited by Ambry Genetics and ITMI).

NM_017617.5(NOTCH1):c.4823G>A (p.Arg1608His)

Gene: NOTCH1 (notch receptor 1; minus strand). Cytogenetic location: 9q34.3.
Variant type: single nucleotide variant.
Coding change: c.4823G>A on transcript NM_017617.5 (MANE Select); coding-DNA position 4823, G replaced by A.
Protein change: p.Arg1608His; replaces arginine 1608 with histidine.
Molecular consequence: missense variant.
Genome position (GRCh38, 1-based): chr9:136,504,868, C>T on the plus strand (G>A on the coding strand, the complement: NOTCH1 is on the minus strand). VCF-style: chr9-136504868-C-T. GRCh37 (hg19) VCF-style: chr9-139399320-C-T.
Other names: c.4823G>A (NM_017617.4); short protein forms R1608H.
Identifiers: ClinVar variation 134939 (VCV000134939.28), dbSNP rs76371972, ClinGen allele CA161205.
Genomic context (GRCh38, chr9:136,504,868, plus strand): 5'-TTGCGCAGCTCCTCCTCGCGGCCGTAGTAGGGGAAGATCATCTGCTGGCCGTGTGCGTCA[C>T]GCTTGAAGACCACGTTGGTGTGCAGCACGCGGCTGAGCTCCCGCAGGAAGTGGAAGGAGC-3'
Protein context (NP_060087.3, residues 1598-1618): RVLHTNVVFK[Arg1608His]DAHGQQMIFP